The following is an entry in ClinVar:

ClinVar aggregate classification (germline): Uncertain significance. Review status: criteria provided, multiple submitters, no conflicts (2 of 4 stars). 4 submissions from 4 submitters: Uncertain significance (4). Last evaluated 2026-05-21.

Conditions:
MYO3A-related disorder. Also called: MYO3A-related condition.
Inborn genetic diseases. Identifiers: MedGen C0950123, MeSH D030342.

Allele frequency attached by ClinVar (database versions not stated): gnomAD 0.00001; TOPMed 0.00002; ExAC 0.00003; gnomAD exomes 0.00006.
gnomAD v4.1: 86 of 1,613,878 alleles (0.0053%); highest among the groups gnomAD compares: Non-Finnish European, 0.0071%; no homozygotes.

Submissions (4):

PreventionGenetics, part of Exact Sciences
Classification: Uncertain significance for MYO3A-related condition. Last evaluated: 2026-05-21. Review status: criteria provided, single submitter. Criteria: ACMG Guidelines, 2015. Collection method: clinical testing. Allele origin: germline.
Comment: The MYO3A c.2588A>C variant is predicted to result in the amino acid substitution p.Asp863Ala. To our knowledge, this variant has not been reported in the literature. This variant is reported in 0.0053% of alleles in individuals of European (Non-Finnish) descent in gnomAD. At this time, the clinical significance of this variant is uncertain due to the absence of conclusive functional and genetic evidence.

Labcorp Genetics (formerly Invitae), Labcorp
Classification: Uncertain significance. Last evaluated: 2025-11-08. Review status: criteria provided, single submitter. Criteria: Invitae Variant Classification Sherloc (09022015). Collection method: clinical testing. Allele origin: germline.
Comment: This sequence change replaces aspartic acid, which is acidic and polar, with alanine, which is neutral and non-polar, at codon 863 of the MYO3A protein (p.Asp863Ala). This variant is present in population databases (rs770781381, gnomAD 0.005%). This variant has not been reported in the literature in individuals affected with MYO3A-related conditions. ClinVar contains an entry for this variant (Variation ID: 2578613). Invitae Evidence Modeling of protein sequence and biophysical properties (such as structural, functional, and spatial information, amino acid conservation, physicochemical variation, residue mobility, and thermodynamic stability) indicates that this missense variant is not expected to disrupt MYO3A protein function with a negative predictive value of 80%. In summary, the available evidence is currently insufficient to determine the role of this variant in disease. Therefore, it has been classified as a Variant of Uncertain Significance.

Ambry Genetics
Classification: Uncertain significance for Inborn genetic diseases. Last evaluated: 2024-10-20. Review status: criteria provided, single submitter. Criteria: Ambry Variant Classification Scheme 2023. Collection method: clinical testing. Allele origin: germline.

CeGaT Center for Human Genetics Tuebingen
Classification: Uncertain significance. Last evaluated: 2023-08-01. Review status: criteria provided, single submitter. Criteria: CeGaT Center For Human Genetics Tuebingen Variant Classification Criteria Version 2. Collection method: clinical testing. Allele origin: germline. Affected: yes. Observed: 1 variant allele.
Comment: MYO3A: PM2

NM_017433.5(MYO3A):c.2588A>C (p.Asp863Ala)

Gene: MYO3A (myosin IIIA; plus strand). Cytogenetic location: 10p12.1.
Variant type: single nucleotide variant.
Coding change: c.2588A>C on transcript NM_017433.5 (MANE Select); coding-DNA position 2588, A replaced by C.
Protein change: p.Asp863Ala; replaces aspartic acid 863 with alanine.
Molecular consequence: missense variant.
Genome position (GRCh38, 1-based): chr10:26,147,512, A>C. VCF-style: chr10-26147512-A-C. GRCh37 (hg19) VCF-style: chr10-26436441-A-C.
Other names: c.2588A>C (NM_017433.4); short protein forms D863A.
Identifiers: ClinVar variation 2578613 (VCV002578613.28), dbSNP rs770781381, ClinGen allele CA5445000.